The following is an entry in ClinVar:

ClinVar aggregate classification (germline): Pathogenic. Review status: criteria provided, multiple submitters, no conflicts (2 of 4 stars). 3 submissions from 3 submitters: Pathogenic (3). Last evaluated 2026-07-27.

Conditions:
Cardiovascular phenotype. Identifiers: MedGen CN230736.
Arrhythmogenic cardiomyopathy with wooly hair and keratoderma. Also called: PALMOPLANTAR KERATODERMA WITH LEFT VENTRICULAR CARDIOMYOPATHY AND WOOLLY HAIR; Carvajal syndrome; Dilated cardiomyopathy with woolly hair and keratoderma; Arrhythmogenic cardiomyopathy with woolly hair and keratoderma. Identifiers: Orphanet 65282, MedGen C1854063, MONDO:0011581, OMIM 605676.
Arrhythmogenic right ventricular dysplasia 8 (ARVD8). Also called: ARRHYTHMOGENIC RIGHT VENTRICULAR DYSPLASIA, FAMILIAL, 8; ARRHYTHMOGENIC RIGHT VENTRICULAR CARDIOMYOPATHY 8; Arrhythmogenic Right Ventricular Dysplasia/Cardiomyopathy 8. Identifiers: MedGen C1843896, MONDO:0011831, OMIM 607450.

Submissions (3):

Ambry Genetics
Classification: Pathogenic for Cardiovascular phenotype. Last evaluated: 2026-07-27. Review status: criteria provided, single submitter. Criteria: Ambry Variant Classification Scheme 2023. Collection method: clinical testing. Allele origin: germline.
Comment: The c.151C>T (p.Q51*) alteration, located in exon 1 (coding exon 1) of the DSP gene, consists of a C to T substitution at nucleotide position 151. This changes the amino acid from a glutamine (Q) to a stop codon at amino acid position 51. This variant is expected to result in loss of function by premature protein truncation or nonsense-mediated mRNA decay. for DSP-related cardiomyopathy; however, its clinical significance for DSP-related cardiomyopathy with woolly hair, keratoderma, and tooth agenesis is uncertain. This variant was not reported in population-based cohorts in the Genome Aggregation Database (gnomAD). This variant was reported in individual(s) with features consistent with DSP-related cardiomyopathy (te Riele, 2013). Based on the available evidence, this alteration is classified as pathogenic.

Labcorp Genetics (formerly Invitae), Labcorp
Classification: Pathogenic for Arrhythmogenic cardiomyopathy with wooly hair and keratoderma; Arrhythmogenic right ventricular dysplasia 8. Last evaluated: 2025-02-12. Review status: criteria provided, single submitter. Criteria: Invitae Variant Classification Sherloc (09022015). Collection method: clinical testing. Allele origin: germline.
Comment: This sequence change creates a premature translational stop signal (p.Gln51*) in the DSP gene. It is expected to result in an absent or disrupted protein product. Loss-of-function variants in DSP are known to be pathogenic (PMID: 20716751, 24503780, 25227139). This variant is not present in population databases (gnomAD no frequency). This premature translational stop signal has been observed in individual(s) with arrhythmogenic right ventricular cardiomyopathy (PMID: 23810894). ClinVar contains an entry for this variant (Variation ID: 199942). For these reasons, this variant has been classified as Pathogenic.

GeneDx
Classification: Pathogenic. Last evaluated: 2012-02-10. Review status: criteria provided, single submitter. Criteria: GeneDx Variant Classification (06012015). Collection method: clinical testing. Allele origin: germline. Affected: yes.
Comment: The Gln51Stop nonsense mutation in the DSP gene has not been previously published as a disease-causing mutation to our knowledge. Gln51Stop is predicted to cause loss of normal protein function either through protein truncation or nonsense-mediated mRNA decay. Numerous other nonsense mutations in the DSP gene have also been reported in association with ARVC. The variant is found in ARVC panel(s).

Literature cited by the submitters: PubMed 23810894 (cited by Ambry Genetics and Labcorp Genetics (formerly Invitae), Labcorp); PubMed 38938828 (cited by Ambry Genetics); PubMed 20716751 (cited by Labcorp Genetics (formerly Invitae), Labcorp); PubMed 24503780 (cited by Labcorp Genetics (formerly Invitae), Labcorp); PubMed 25227139 (cited by Labcorp Genetics (formerly Invitae), Labcorp).

NM_004415.4(DSP):c.151C>T (p.Gln51Ter)

Genes: DSP (desmoplakin; plus strand), DSP-AS1 (DSP antisense RNA 1; minus strand). Cytogenetic location: 6p24.3.
Variant type: single nucleotide variant.
Coding change: c.151C>T on transcript NM_004415.4 (MANE Select); coding-DNA position 151, C replaced by T.
Protein change: p.Gln51Ter; replaces glutamine 51 with a stop codon.
Molecular consequence: nonsense.
Genome position (GRCh38, 1-based): chr6:7,542,066, C>T. VCF-style: chr6-7542066-C-T. GRCh37 (hg19) VCF-style: chr6-7542299-C-T.
Other names: p.Q51X:CAG>TAG; c.151C>T (LRG_423t1); c.151C>T, p.Gln51Ter (NM_001008844.3, NM_001319034.2); short protein forms Q51*.
Identifiers: ClinVar variation 199942 (VCV000199942.5), dbSNP rs794728156, ClinGen allele CA005003.